The following is an entry in ClinVar:

NM_013266.4(CTNNA3):c.1307C>T (p.Ser436Leu)

Gene: CTNNA3 (catenin alpha 3; minus strand). Cytogenetic location: 10q21.3.
Variant type: single nucleotide variant.
Coding change: c.1307C>T on transcript NM_013266.4 (MANE Select); coding-DNA position 1307, C replaced by T.
Protein change: p.Ser436Leu; replaces serine 436 with leucine.
Molecular consequence: missense variant.
Genome position (GRCh38, 1-based): chr10:66,621,759, G>A on the plus strand (C>T on the coding strand, the complement: CTNNA3 is on the minus strand). VCF-style: chr10-66621759-G-A. GRCh37 (hg19) VCF-style: chr10-68381517-G-A.
Other names: c.1307C>T, p.Ser436Leu (NM_001127384.3); short protein forms S436L.
Identifiers: ClinVar variation 2109957 (VCV002109957.4), dbSNP rs2547392264, ClinGen allele CA377091693.

ClinVar aggregate classification (germline): Uncertain significance (1 of 4 stars; one submission).

Conditions:
Arrhythmogenic right ventricular dysplasia 13. Also called: ARRHYTHMOGENIC RIGHT VENTRICULAR CARDIOMYOPATHY 13; Arrhythmogenic right ventricular dysplasia, familial, 13. Identifiers: MedGen C3810138, MONDO:0000908, OMIM 615616.

Allele frequency attached by ClinVar (database versions not stated): gnomAD exomes below 0.00001.
gnomAD v4.1: 1 of 1,610,096 alleles (0.000062%); highest among the groups gnomAD compares: Non-Finnish European, 0.000085%; no homozygotes.

Submission:

Labcorp Genetics (formerly Invitae), Labcorp
Classification: Uncertain significance for Arrhythmogenic right ventricular dysplasia 13. Last evaluated: 2022-03-12. Review status: criteria provided, single submitter. Criteria: Invitae Variant Classification Sherloc (09022015). Collection method: clinical testing. Allele origin: germline.
Comment: In summary, the available evidence is currently insufficient to determine the role of this variant in disease. Therefore, it has been classified as a Variant of Uncertain Significance. Algorithms developed to predict the effect of missense changes on protein structure and function are either unavailable or do not agree on the potential impact of this missense change (SIFT: "Deleterious"; PolyPhen-2: "Benign"; Align-GVGD: "Class C0"). This variant has not been reported in the literature in individuals affected with CTNNA3-related conditions. This variant is not present in population databases (gnomAD no frequency). This sequence change replaces serine, which is neutral and polar, with leucine, which is neutral and non-polar, at codon 436 of the CTNNA3 protein (p.Ser436Leu).